The following is an entry in ClinVar:

ClinVar aggregate classification (germline): Likely benign. Review status: criteria provided, multiple submitters, no conflicts (2 of 4 stars). 3 submissions from 3 submitters: Likely benign (3). Last evaluated 2025-10-21.

Conditions:
Autosomal dominant nonsyndromic hearing loss 17. Also called: Deafness, autosomal dominant 17; Autosomal dominant nonsyndromic deafness 17. Identifiers: Orphanet 90635, MedGen C1863659, MONDO:0011350, OMIM 603622.
Macrothrombocytopenia and granulocyte inclusions with or without nephritis or sensorineural hearing loss (MATINS). Also called: BLEEDING DISORDER, PLATELET-TYPE, 6; MAY-HEGGLIN ANOMALY; MYH9-Related Disease (MYH9-RD); DOHLE LEUKOCYTE INCLUSIONS WITH GIANT PLATELETS; SEBASTIAN PLATELET SYNDROME; MACROTHROMBOCYTOPENIA WITH DISPERSED LEUKOCYTIC INCLUSIONS. Identifiers: Orphanet 182050, MedGen C5200934, MONDO:0015912, OMIM 155100.

Allele frequency attached by ClinVar (database versions not stated): TOPMed 0.00007.
gnomAD v4.1: 56 of 1,614,008 alleles (0.0035%); highest among the groups gnomAD compares: South Asian, 0.031%; 1 homozygote.

Submissions (3):

Labcorp Genetics (formerly Invitae), Labcorp
Classification: Likely benign. Last evaluated: 2025-10-21. Review status: criteria provided, single submitter. Criteria: Invitae Variant Classification Sherloc (09022015). Collection method: clinical testing. Allele origin: germline.

Fulgent Genetics
Classification: Likely benign for Macrothrombocytopenia and granulocyte inclusions with or without nephritis or sensorineural hearing loss; Autosomal dominant nonsyndromic hearing loss 17. Last evaluated: 2021-12-16. Review status: criteria provided, single submitter. Criteria: ACMG Guidelines, 2015. Collection method: clinical testing. Allele origin: unknown.

Laboratory for Molecular Medicine, Mass General Brigham Personalized Medicine
Classification: Likely benign. Last evaluated: 2013-12-12. Review status: criteria provided, single submitter. Criteria: LMM Criteria. Collection method: clinical testing. Allele origin: germline. Observed: 1 variant allele.
Comment: Ile352Ile in exon 10 of MYH9: This variant is not expected to have clinical sign ificance because it does not alter an amino acid residue and it is not located w ithin the splice consensus sequence.

NM_002473.6(MYH9):c.1056C>T (p.Ile352=)

Gene: MYH9 (myosin heavy chain 9; minus strand). Cytogenetic location: 22q12.3.
Variant type: single nucleotide variant.
Coding change: c.1056C>T on transcript NM_002473.6 (MANE Select); coding-DNA position 1056, C replaced by T.
Protein change: p.Ile352=; no amino-acid change (isoleucine 352 retained).
Molecular consequence: synonymous variant.
Genome position (GRCh38, 1-based): chr22:36,319,592, G>A on the plus strand (C>T on the coding strand, the complement: MYH9 is on the minus strand). VCF-style: chr22-36319592-G-A. GRCh37 (hg19) VCF-style: chr22-36715637-G-A.
Identifiers: ClinVar variation 179427 (VCV000179427.11), dbSNP rs727504861, ClinGen allele CA184402.